The following is an entry in ClinVar:

ClinVar aggregate classification (germline): Uncertain significance. Review status: criteria provided, multiple submitters, no conflicts (2 of 4 stars). 4 submissions from 4 submitters: Uncertain significance (4). Last evaluated 2025-10-07.

Conditions:
Cranioectodermal dysplasia 1 (CED1). Also called: LEVIN SYNDROME I. Identifiers: Orphanet 1515, MedGen C0432235, MONDO:0021093, OMIM 218330.
Inborn genetic diseases. Identifiers: MedGen C0950123, MeSH D030342.

Allele frequency attached by ClinVar (database versions not stated): ExAC 0.00001; gnomAD 0.00001; TOPMed 0.00001; gnomAD exomes 0.00002.

Submissions (4):

Ambry Genetics
Classification: Uncertain significance for Inborn genetic diseases. Last evaluated: 2025-10-07. Review status: criteria provided, single submitter. Criteria: Ambry Variant Classification Scheme 2023. Collection method: clinical testing. Allele origin: germline.

Fulgent Genetics
Classification: Uncertain significance for Cranioectodermal dysplasia 1. Last evaluated: 2022-04-15. Review status: criteria provided, single submitter. Criteria: ACMG Guidelines, 2015. Collection method: clinical testing. Allele origin: unknown.

Labcorp Genetics (formerly Invitae), Labcorp
Classification: Uncertain significance for Cranioectodermal dysplasia 1. Last evaluated: 2021-11-15. Review status: criteria provided, single submitter. Criteria: Invitae Variant Classification Sherloc (09022015). Collection method: clinical testing. Allele origin: germline.
Comment: In summary, the available evidence is currently insufficient to determine the role of this variant in disease. Therefore, it has been classified as a Variant of Uncertain Significance. Algorithms developed to predict the effect of missense changes on protein structure and function (SIFT, PolyPhen-2, Align-GVGD) all suggest that this variant is likely to be disruptive. ClinVar contains an entry for this variant (Variation ID: 343264). This variant has not been reported in the literature in individuals affected with IFT122-related conditions. This variant is present in population databases (rs774343448, gnomAD 0.009%). This sequence change replaces tyrosine, which is neutral and polar, with cysteine, which is neutral and slightly polar, at codon 1139 of the IFT122 protein (p.Tyr1139Cys).

Illumina Laboratory Services, Illumina
Classification: Uncertain significance for Cranioectodermal dysplasia 1. Last evaluated: 2018-01-13. Review status: criteria provided, single submitter. Criteria: ICSL Variant Classification Criteria 13 December 2019. Collection method: clinical testing. Allele origin: germline.

NM_052989.3(IFT122):c.3263A>G (p.Tyr1088Cys)

Gene: IFT122 (intraflagellar transport 122; plus strand). Cytogenetic location: 3q22.1.
Variant type: single nucleotide variant.
Coding change: c.3263A>G on transcript NM_052989.3 (MANE Select); coding-DNA position 3263, A replaced by G.
Protein change: p.Tyr1088Cys; replaces tyrosine 1088 with cysteine.
Molecular consequence: missense variant.
Genome position (GRCh38, 1-based): chr3:129,515,597, A>G. VCF-style: chr3-129515597-A-G. GRCh37 (hg19) VCF-style: chr3-129234440-A-G.
Other names: c.3416A>G (NM_052985.2); c.3242A>G, p.Tyr1081Cys (NM_001280541.2); c.2813A>G, p.Tyr938Cys (NM_001280545.2); c.2636A>G, p.Tyr879Cys (NM_001280546.2); c.3086A>G, p.Tyr1029Cys (NM_018262.4); c.3416A>G, p.Tyr1139Cys (NM_052985.4); c.2933A>G, p.Tyr978Cys (NM_052990.3); short protein forms Y1139C, Y1081C, Y938C, Y1029C, Y1088C, Y978C, Y879C.
Identifiers: ClinVar variation 343264 (VCV000343264.10), dbSNP rs774343448, ClinGen allele CA2606846.
Genomic context (GRCh38, chr3:129,515,597, plus strand): 5'-ACAACCTGGGCAACGTCTGCATCAACTGCCGCCAGCCCTTCATCTTCTCCGCCTCTTCCT[A>G]CGGTGAGTCCCTGCATCCTGAGCATGTGGGTGGGACAGCCTGTGGACAGCCAGGCTCACT-3'
Protein context (NP_443715.1, residues 1078-1098): RQPFIFSASS[Tyr1088Cys]DVLHLVEFYL